The following is an entry in ClinVar:

NM_198551.4(MIA3):c.4740A>G (p.Leu1580=)

Gene: MIA3 (MIA SH3 domain ER export factor 3; plus strand). Cytogenetic location: 1q41.
Variant type: single nucleotide variant.
Coding change: c.4740A>G on transcript NM_198551.4 (MANE Select); coding-DNA position 4740, A replaced by G.
Protein change: p.Leu1580=; no amino-acid change (leucine 1580 retained).
Molecular consequence: synonymous variant.
Genome position (GRCh38, 1-based): chr1:222,659,483, A>G. VCF-style: chr1-222659483-A-G. GRCh37 (hg19) VCF-style: chr1-222832825-A-G.
Other names: c.1374A>G, p.Leu458= (NM_001300867.2, NM_001324065.2); c.4740A>G, p.Leu1580= (NM_001324062.2); c.4563A>G, p.Leu1521= (NM_001324063.2); c.4248A>G, p.Leu1416= (NM_001324064.2).
Identifiers: ClinVar variation 2639917 (VCV002639917.25), dbSNP rs75058999, ClinGen allele CA1407495.

ClinVar aggregate classification (germline): Likely benign. Review status: criteria provided, multiple submitters, no conflicts (2 of 4 stars). 2 submissions from 2 submitters: Likely benign (2). Last evaluated 2024-11-25.

Allele frequency attached by ClinVar (database versions not stated): gnomAD exomes 0.00029; ExAC 0.00065; gnomAD 0.00133; ESP Exome Variant Server 0.00153; 1000 Genomes Project 30x 0.00172; TOPMed 0.00179; 1000 Genomes Project 0.00180.
gnomAD v4.1: 682 of 1,614,014 alleles (0.042%); highest among the groups gnomAD compares: Middle Eastern, 0.71%; 2 homozygotes.

Submissions (2):

Blueprint Genetics
Classification: Likely benign. Last evaluated: 2024-11-25. Review status: criteria provided, single submitter. Criteria: ACMG Guidelines, 2015. Collection method: clinical testing. Allele origin: germline.

CeGaT Center for Human Genetics Tuebingen
Classification: Likely benign. Last evaluated: 2022-03-01. Review status: criteria provided, single submitter. Criteria: CeGaT Center For Human Genetics Tuebingen Variant Classification Criteria Version 2. Collection method: clinical testing. Allele origin: germline. Affected: yes. Observed: 1 variant allele.
Comment: MIA3: BP4, BP7